The following is an entry in ClinVar:

NM_018489.3(ASH1L):c.7944C>T (p.Phe2648=)

Gene: ASH1L (ASH1 like histone lysine methyltransferase; minus strand). Cytogenetic location: 1q22.
Variant type: single nucleotide variant.
Coding change: c.7944C>T on transcript NM_018489.3 (MANE Select); coding-DNA position 7944, C replaced by T.
Protein change: p.Phe2648=; no amino-acid change (phenylalanine 2648 retained).
Molecular consequence: synonymous variant.
Genome position (GRCh38, 1-based): chr1:155,344,220, G>A on the plus strand (C>T on the coding strand, the complement: ASH1L is on the minus strand). VCF-style: chr1-155344220-G-A. GRCh37 (hg19) VCF-style: chr1-155314011-G-A.
Other names: c.7959C>T, p.Phe2653= (NM_001366177.2).
Identifiers: ClinVar variation 4856278 (VCV004856278.1).

ClinVar aggregate classification (germline): Uncertain significance (1 of 4 stars; one submission).

Conditions:
Intellectual developmental disorder, autosomal dominant 52. Also called: Intellectual disability, autosomal dominant 52; Mental retardation, autosomal dominant 52. Identifiers: MedGen C4540478, MONDO:0030918, OMIM 617796.

Submission:

3billion
Classification: Uncertain significance for Intellectual developmental disorder, autosomal dominant 52. Last evaluated: 2025-08-11. Review status: criteria provided, single submitter. Criteria: ACMG Guidelines, 2015. Collection method: clinical testing. Allele origin: germline. Affected: yes.
Comment: The variant is not observed in the gnomAD v4.1.0 dataset. Predicted Consequence/Location: Synonymous variant In silico tools predict the variant to alter splicing and produce an abnormal transcript [SpliceAI: 0.22 (>=0.2, moderate evidence for spliceogenicity)]. Therefore, this variant is classified as VUS according to the recommendation of ACMG/AMP guideline.